The following is an entry in ClinVar:

ClinVar aggregate classification (germline): Uncertain significance (1 of 4 stars; one submission).

gnomAD v4.1: 30 of 1,614,068 alleles (0.0019%); highest among the groups gnomAD compares: Non-Finnish European, 0.0025%; no homozygotes.

Submission:

Labcorp Genetics (formerly Invitae), Labcorp
Classification: Uncertain significance. Last evaluated: 2025-01-29. Review status: criteria provided, single submitter. Criteria: Invitae Variant Classification Sherloc (09022015). Collection method: clinical testing. Allele origin: germline.
Comment: This sequence change replaces aspartic acid, which is acidic and polar, with tyrosine, which is neutral and polar, at codon 472 of the COL7A1 protein (p.Asp472Tyr). This variant is present in population databases (no rsID available, gnomAD 0.007%). This variant has not been reported in the literature in individuals affected with COL7A1-related conditions. Invitae Evidence Modeling of protein sequence and biophysical properties (such as structural, functional, and spatial information, amino acid conservation, physicochemical variation, residue mobility, and thermodynamic stability) indicates that this missense variant is not expected to disrupt COL7A1 protein function with a negative predictive value of 95%. In summary, the available evidence is currently insufficient to determine the role of this variant in disease. Therefore, it has been classified as a Variant of Uncertain Significance.

NM_000094.4(COL7A1):c.1414G>T (p.Asp472Tyr)

Gene: COL7A1 (collagen type VII alpha 1 chain; minus strand). Cytogenetic location: 3p21.31.
Variant type: single nucleotide variant.
Coding change: c.1414G>T on transcript NM_000094.4 (MANE Select); coding-DNA position 1414, G replaced by T.
Protein change: p.Asp472Tyr; replaces aspartic acid 472 with tyrosine.
Molecular consequence: missense variant.
Genome position (GRCh38, 1-based): chr3:48,591,766, C>A on the plus strand (G>T on the coding strand, the complement: COL7A1 is on the minus strand). VCF-style: chr3-48591766-C-A. GRCh37 (hg19) VCF-style: chr3-48629199-C-A.
Other names: short protein forms D472Y.
Identifiers: ClinVar variation 3704819 (VCV003704819.2).